The following is an entry in ClinVar:

ClinVar aggregate classification (germline): Likely benign. Review status: criteria provided, multiple submitters, no conflicts (2 of 4 stars). 3 submissions from 3 submitters: Likely benign (2). 1 of the submissions does not count toward it. Last evaluated 2026-01-17.

Conditions:
C1S-related disorder. Also called: C1S-related condition.

Allele frequency attached by ClinVar (database versions not stated): TOPMed 0.00001; gnomAD 0.00002; ExAC 0.00004; gnomAD exomes 0.00004 and 0.00010.
gnomAD v4.1: 142 of 1,614,024 alleles (0.0088%); highest among the groups gnomAD compares: Non-Finnish European, 0.012%; no homozygotes.

Submissions (3):

Labcorp Genetics (formerly Invitae), Labcorp
Classification: Likely benign. Last evaluated: 2026-01-17. Review status: criteria provided, single submitter. Criteria: Invitae Variant Classification Sherloc (09022015). Collection method: clinical testing. Allele origin: germline.

Blueprint Genetics
Classification: Likely benign. Last evaluated: 2024-11-26. Review status: criteria provided, single submitter. Criteria: ACMG Guidelines, 2015. Collection method: clinical testing. Allele origin: germline.

PreventionGenetics, part of Exact Sciences
Classification: Likely benign for C1S-related condition. Last evaluated: 2023-12-29. Review status: no assertion criteria provided. Collection method: clinical testing. Allele origin: germline. Not counted in ClinVar's aggregate classification.
Comment: This variant is classified as likely benign based on ACMG/AMP sequence variant interpretation guidelines (Richards et al. 2015 PMID: 25741868, with internal and published modifications).

NM_001734.5(C1S):c.639A>G (p.Gln213=)

Gene: C1S (complement C1s; plus strand). Cytogenetic location: 12p13.31.
Variant type: single nucleotide variant.
Coding change: c.639A>G on transcript NM_001734.5 (MANE Select); coding-DNA position 639, A replaced by G.
Protein change: p.Gln213=; no amino-acid change (glutamine 213 retained).
Molecular consequence: synonymous variant.
Genome position (GRCh38, 1-based): chr12:7,065,221, A>G. VCF-style: chr12-7065221-A-G. GRCh37 (hg19) VCF-style: chr12-7172525-A-G.
Other names: c.639A>G (NM_201442.3); c.138A>G, p.Gln46= (NM_001346850.2); c.639A>G, p.Gln213= (NM_201442.4).
Identifiers: ClinVar variation 1649711 (VCV001649711.11), dbSNP rs781783685, ClinGen allele CA6423512.
Genomic context (GRCh38, chr12:7,065,221, plus strand): 5'-CAAACCATATCCAGAGAACTCAAGGTGTGAATACCAGATCCGGTTGGAGAAAGGGTTCCA[A>G]GTGGTGGTGACCTTGCGGAGAGAAGATTTTGATGTGGAAGCAGCTGACTCAGCGGGAAAC-3'
Protein context (NP_001725.1, residues 203-223): EYQIRLEKGF[Gln213=]VVVTLRREDF